The following is an entry in ClinVar:

ClinVar aggregate classification (germline): Likely pathogenic. Review status: criteria provided, multiple submitters, no conflicts (2 of 4 stars). 4 submissions from 4 submitters: Likely pathogenic (4). Last evaluated 2024-08-28.

Conditions:
Dystonia 24 (DYT24). Also called: DYT-ANO3. Identifiers: Orphanet 420485, MedGen C3554374, MONDO:0014019, OMIM 615034.

Submissions (4):

GeneDx
Classification: Likely pathogenic. Last evaluated: 2024-08-28. Review status: criteria provided, single submitter. Criteria: GeneDx Variant Classification Process June 2021. Collection method: clinical testing. Allele origin: germline.
Comment: Not observed at significant frequency in large population cohorts (gnomAD); In silico analysis supports that this missense variant has a deleterious effect on protein structure/function; This variant is associated with the following publications: (PMID: 36228993, 37152446)

Institute of Human Genetics Munich, TUM University Hospital
Classification: Likely pathogenic for Dystonia 24. Last evaluated: 2023-08-30. Review status: criteria provided, single submitter. Criteria: Classification criteria August 2017. Collection method: clinical testing. Allele origin: germline, maternal. Inheritance: Autosomal dominant inheritance. Affected: yes. Observed: 2 variant alleles.

CeGaT Center for Human Genetics Tuebingen
Classification: Likely pathogenic. Last evaluated: 2022-12-01. Review status: criteria provided, single submitter. Criteria: CeGaT Center For Human Genetics Tuebingen Variant Classification Criteria Version 2. Collection method: clinical testing. Allele origin: germline. Affected: yes. Observed: 1 variant allele.
Comment: ANO3: PP1:Strong, PM2, PP4, PS4:Supporting

Center for Medical Genetics Ghent, University of Ghent
Classification: Likely pathogenic. Last evaluated: 2022-08-12. Review status: criteria provided, single submitter. Criteria: ACMG Guidelines, 2015. Collection method: clinical testing. Allele origin: paternal. Inheritance: Autosomal dominant inheritance. Affected: yes. Observed: 1 heterozygote.
Comment: The variant is not present in population database gnomAD nor in the MDSGene mutation database (PM2). In silico predictions are indicative of a pathogenic effect on the protein (PP3). The variant co-segregated with the affected family members (PP1). The phenotype is specific (PP4). In this particular domain there are very few benign missense variants (PP2).

NM_031418.4(ANO3):c.1699G>A (p.Gly567Arg)

Gene: ANO3 (anoctamin 3; plus strand). Cytogenetic location: 11p14.2.
Variant type: single nucleotide variant.
Coding change: c.1699G>A on transcript NM_031418.4 (MANE Select); coding-DNA position 1699, G replaced by A.
Protein change: p.Gly567Arg; replaces glycine 567 with arginine.
Molecular consequence: missense variant.
Genome position (GRCh38, 1-based): chr11:26,599,577, G>A. VCF-style: chr11-26599577-G-A. GRCh37 (hg19) VCF-style: chr11-26621124-G-A.
Other names: c.1882G>A, p.Gly628Arg (NM_001313726.2); c.1261G>A, p.Gly421Arg (NM_001313727.2); c.1699G>A (NM_031418.2); short protein forms G421R, G567R, G628R.
Identifiers: ClinVar variation 1700707 (VCV001700707.37), dbSNP rs2132929609, ClinGen allele CA379941319.